The following is an entry in ClinVar:

ClinVar aggregate classification (germline): Likely pathogenic (1 of 4 stars; one submission).

Conditions:
Nemaline myopathy 2 (NEM2). Also called: Nemaline myopathy 2, autosomal recessive. Identifiers: MedGen C1850569, MONDO:0009725, OMIM 256030.

gnomAD v4.1: 3 of 1,613,704 alleles (0.00019%); highest among the groups gnomAD compares: East Asian, 0.0022%; no homozygotes.

Submission:

Natera, Inc.
Classification: Likely pathogenic for Nemaline myopathy type 2. Last evaluated: 2024-07-09. Review status: criteria provided, single submitter. Criteria: Natera Variant Classification Schema (03/2026). Collection method: clinical testing. Allele origin: germline.
Comment: The c.5152C>T variant in NEB is a nonsense variant predicted to introduce a stop codon at amino acid 1718. This variant is expected to result in nonsense mediated decay, truncation, or a dysfunctional protein product. This variant is rare in the general population with a frequency below the threshold expected for the associated phenotype(s). Given the available evidence, this variant is classified as Likely Pathogenic.

NM_001164508.2(NEB):c.5152C>T (p.Gln1718Ter)

Gene: NEB (nebulin; minus strand). Cytogenetic location: 2q23.3.
Variant type: single nucleotide variant.
Coding change: c.5152C>T on transcript NM_001164508.2 (MANE Select); coding-DNA position 5152, C replaced by T.
Protein change: p.Gln1718Ter; replaces glutamine 1718 with a stop codon.
Molecular consequence: nonsense.
Genome position (GRCh38, 1-based): chr2:151,665,419, G>A on the plus strand (C>T on the coding strand, the complement: NEB is on the minus strand). VCF-style: chr2-151665419-G-A. GRCh37 (hg19) VCF-style: chr2-152521933-G-A.
Other names: c.5152C>T, p.Gln1718Ter (NM_001164507.2, NM_001271208.2, NM_004543.5); short protein forms Q1718*.
Identifiers: ClinVar variation 4814777 (VCV004814777.1).
Genomic context (GRCh38, chr2:151,665,419, plus strand): 5'-TGTTAAGTGCCTGTTCCATTGTGTCCATGGCGTAAGTGAACTTCAGCTTCTCGGGGTGCT[G>A]GCGATACTTCTTCTCACTAAGAATCTCTCCTGCTTTCTTTGCCTTCTCCACCTCCAGGGA-3'